The following is an entry in ClinVar:

ClinVar aggregate classification (germline): Uncertain significance (1 of 4 stars; one submission).

Allele frequency attached by ClinVar (database versions not stated): gnomAD exomes 0.00001.

Submission:

Labcorp Genetics (formerly Invitae), Labcorp
Classification: Uncertain significance. Last evaluated: 2023-03-08. Review status: criteria provided, single submitter. Criteria: Invitae Variant Classification Sherloc (09022015). Collection method: clinical testing. Allele origin: germline.
Comment: In summary, the available evidence is currently insufficient to determine the role of this variant in disease. Therefore, it has been classified as a Variant of Uncertain Significance. Algorithms developed to predict the effect of sequence changes on RNA splicing suggest that this variant may create or strengthen a splice site. Advanced modeling of protein sequence and biophysical properties (such as structural, functional, and spatial information, amino acid conservation, physicochemical variation, residue mobility, and thermodynamic stability) performed at Invitae indicates that this missense variant is not expected to disrupt LEMD3 protein function. This variant has not been reported in the literature in individuals affected with LEMD3-related conditions. This variant is not present in population databases (gnomAD no frequency). This sequence change replaces isoleucine, which is neutral and non-polar, with methionine, which is neutral and non-polar, at codon 757 of the LEMD3 protein (p.Ile757Met).

NM_014319.5(LEMD3):c.2271A>G (p.Ile757Met)

Gene: LEMD3 (LEM domain containing 3; plus strand). Cytogenetic location: 12q14.3.
Variant type: single nucleotide variant.
Coding change: c.2271A>G on transcript NM_014319.5 (MANE Select); coding-DNA position 2271, A replaced by G.
Protein change: p.Ile757Met; replaces isoleucine 757 with methionine.
Molecular consequence: missense variant.
Genome position (GRCh38, 1-based): chr12:65,241,053, A>G. VCF-style: chr12-65241053-A-G. GRCh37 (hg19) VCF-style: chr12-65634833-A-G.
Other names: c.2268A>G, p.Ile756Met (NM_001167614.2); short protein forms I756M, I757M.
Identifiers: ClinVar variation 2893506 (VCV002893506.3), dbSNP rs2498908931, ClinGen allele CA385673180.